The following is an entry in ClinVar:

NM_001365276.2(TNXB):c.7849G>C (p.Ala2617Pro)

Gene: TNXB (tenascin XB; minus strand). Cytogenetic location: 6p21.33.
Variant type: single nucleotide variant.
Coding change: c.7849G>C on transcript NM_001365276.2 (MANE Select); coding-DNA position 7849, G replaced by C.
Protein change: p.Ala2617Pro; replaces alanine 2617 with proline.
Molecular consequence: missense variant.
Genome position (GRCh38, 1-based): chr6:32,056,880, C>G on the plus strand (G>C on the coding strand, the complement: TNXB is on the minus strand). VCF-style: chr6-32056880-C-G. GRCh37 (hg19) VCF-style: chr6-32024657-C-G.
Other names: c.7849G>C, p.Ala2617Pro (NM_019105.8); short protein forms A2617P.
Identifiers: ClinVar variation 1305627 (VCV001305627.2), dbSNP rs2151902061, ClinGen allele CA363550617.

ClinVar aggregate classification (germline): Uncertain significance (1 of 4 stars; one submission).

Submission:

GeneDx
Classification: Uncertain significance. Last evaluated: 2019-05-03. Review status: criteria provided, single submitter. Criteria: GeneDx Variant Classification Process June 2021. Collection method: clinical testing. Allele origin: germline. Affected: yes.
Comment: Has not been previously published as pathogenic or benign to our knowledge; Not observed in large population cohorts (Lek et al., 2016); In silico analysis, which includes protein predictors and evolutionary conservation, supports that this variant does not alter protein structure/function